The following is an entry in ClinVar:

NM_001077653.2(TBX20):c.982_983del (p.Gln329fs)

Gene: TBX20 (T-box transcription factor 20; minus strand). Cytogenetic location: 7p14.2.
Variant type: Microsatellite.
Coding change: c.982_983del on transcript NM_001077653.2 (MANE Select); coding-DNA positions 982 to 983, 2 bases deleted (AG; older notation c.982_983delAG).
Protein change: p.Gln329fs; shifts the reading frame from glutamine 329.
Molecular consequence: frameshift variant.
Genome position (GRCh38, 1-based): chr7:35,204,490-35,204,491, CT deleted on the plus strand (AG on the coding strand, the reverse complement: TBX20 is on the minus strand); deleting any 2 consecutive bases within chr7:35,204,490-35,204,494 gives the same sequence; the c. name uses the placement nearest the transcript's 3' end. VCF-style (leftmost placement, unchanged base first): chr7-35204489-ACT-A. GRCh37 (hg19) VCF-style: chr7-35244101-ACT-A.
Other names: short protein forms Q329fs.
Identifiers: ClinVar variation 2738737 (VCV002738737.3), dbSNP rs2546981458, ClinGen allele CA2697557219.

ClinVar aggregate classification (germline): Uncertain significance (1 of 4 stars; one submission).

Submission:

Labcorp Genetics (formerly Invitae), Labcorp
Classification: Uncertain significance. Last evaluated: 2023-07-17. Review status: criteria provided, single submitter. Criteria: Invitae Variant Classification Sherloc (09022015). Collection method: clinical testing. Allele origin: germline.
Comment: Experimental studies and prediction algorithms are not available or were not evaluated, and the functional significance of this variant is currently unknown. In summary, the available evidence is currently insufficient to determine the role of this variant in disease. Therefore, it has been classified as a Variant of Uncertain Significance. This variant has not been reported in the literature in individuals affected with TBX20-related conditions. This variant is not present in population databases (gnomAD no frequency). This sequence change creates a premature translational stop signal (p.Gln329Aspfs*13) in the TBX20 gene. While this is not anticipated to result in nonsense mediated decay, it is expected to disrupt the last 119 amino acid(s) of the TBX20 protein.